The following is an entry in ClinVar:

NM_014159.7(SETD2):c.1961C>A (p.Ser654Tyr)

Gene: SETD2 (SET domain containing 2, histone lysine methyltransferase; minus strand). Cytogenetic location: 3p21.31.
Variant type: single nucleotide variant.
Coding change: c.1961C>A on transcript NM_014159.7 (MANE Select); coding-DNA position 1961, C replaced by A.
Protein change: p.Ser654Tyr; replaces serine 654 with tyrosine.
Molecular consequence: missense variant. On other transcripts: non-coding transcript variant (1).
Genome position (GRCh38, 1-based): chr3:47,122,675, G>T on the plus strand (C>A on the coding strand, the complement: SETD2 is on the minus strand). VCF-style: chr3-47122675-G-T. GRCh37 (hg19) VCF-style: chr3-47164165-G-T.
Other names: c.1829C>A, p.Ser610Tyr (NM_001349370.3); short protein forms S610Y, S654Y.
Identifiers: ClinVar variation 3343003 (VCV003343003.1).

ClinVar aggregate classification (germline): Uncertain significance (1 of 4 stars; one submission).

Submission:

GeneDx
Classification: Uncertain significance. Last evaluated: 2023-04-09. Review status: criteria provided, single submitter. Criteria: GeneDx Variant Classification Process June 2021. Collection method: clinical testing. Allele origin: germline. Affected: yes.
Comment: Not observed at significant frequency in large population cohorts (gnomAD); In silico analysis supports that this missense variant has a deleterious effect on protein structure/function; Has not been previously published as pathogenic or benign to our knowledge